The following is an entry in ClinVar:

ClinVar aggregate classification (germline): Uncertain significance (1 of 4 stars; one submission).

Submission:

Women's Health and Genetics/Laboratory Corporation of America, LabCorp
Classification: Uncertain significance. Last evaluated: 2026-04-30. Review status: criteria provided, single submitter. Criteria: LabCorp Variant Classification Summary - May 2015. Collection method: clinical testing. Allele origin: germline.
Comment: Variant summary: DSPP c.3659_3744del86 (p.Ser1220LysfsX3) results in a premature termination codon, predicted to cause a truncation of the encoded protein but is not expected to result in nonsense mediated decay. Current evidence is not sufficient to establish loss of function as a mechanism for disease. The frequency data for this variant in gnomAD is considered unreliable, as metrics indicate poor data quality at this position. To our knowledge, no occurrence of c.3659_3744del86 in individuals affected with DSPP-related conditions and no experimental evidence demonstrating its impact on protein function have been reported. No submitters have cited clinical-significance assessments for this variant to ClinVar. Based on the evidence outlined above, the variant was classified as uncertain significance.

NM_014208.3(DSPP):c.3659_3744del (p.Ser1220fs)

Genes: DMP1-AS1 (DMP1 and DSPP antisense RNA 1; minus strand), DSPP (dentin sialophosphoprotein; plus strand). Cytogenetic location: 4q22.1.
Variant type: Deletion.
Coding change: c.3659_3744del on transcript NM_014208.3 (MANE Select); coding-DNA positions 3659 to 3744, 86 bases deleted.
Protein change: p.Ser1220fs; shifts the reading frame from serine 1220.
Molecular consequence: frameshift variant.
Genome position (GRCh38, 1-based): chr4:87,616,321-87,616,406, 86 bases deleted. GRCh37 (hg19): chr4:88,537,473-88,537,558.
Other names: c.3659_3744del86 (NM_014208.3); short protein forms S1220fs.
Identifiers: ClinVar variation 4848334 (VCV004848334.1).